The following is an entry in ClinVar:

ClinVar aggregate classification (germline): Likely pathogenic. Review status: criteria provided, single submitter (1 of 4 stars). 2 submissions from 2 submitters: Likely pathogenic (1). 1 of the submissions does not count toward it. Last evaluated 2016-05-12.

Conditions:
Acyl-CoA dehydrogenase 9 deficiency. Also called: Acyl-CoA dehydrogenase family, member 9, deficiency of; MITOCHONDRIAL COMPLEX I DEFICIENCY, NUCLEAR TYPE 20. Identifiers: Orphanet 99901, MedGen C4747517, MONDO:0012624, OMIM 611126.

Submissions (2):

GeneDx
Classification: Likely pathogenic. Last evaluated: 2016-05-12. Review status: criteria provided, single submitter. Criteria: GeneDx Variant Classification (06012015). Collection method: clinical testing. Allele origin: germline. Affected: yes.
Comment: The c.1693-2 A>G variant has not been published as a pathogenic variant, nor has it been reported as a benign variant to our knowledge. The c.1693-2 A>G variant was not observed in approximately 6500 individuals of European and African American ancestry in the NHLBI Exome Sequencing Project, indicating it is not a common benign variant in these populations. The c.1693-2 A>G splice site variant is predicted to destroy the canonical splice acceptor site in intron 16. It is predicted to cause abnormal gene splicing, either leading to an abnormal message that is subject to nonsense-mediated mRNA decay, or to an abnormal protein product if the message is used for protein translation. In summary, we interpret this variant to be likely pathogenic.

Natera, Inc.
Classification: Likely pathogenic for ACAD9 deficiency. Last evaluated: 2021-04-16. Review status: no assertion criteria provided. Collection method: clinical testing. Allele origin: germline. Not counted in ClinVar's aggregate classification.

NM_014049.5(ACAD9):c.1693-2A>G

Genes: CFAP92 (cilia and flagella associated protein 92 (putative); minus strand), ACAD9 (acyl-CoA dehydrogenase family member 9; plus strand). Cytogenetic location: 3q21.3.
Variant type: single nucleotide variant.
Coding change: c.1693-2A>G on transcript NM_014049.5 (MANE Select); the canonical splice acceptor site of the intron before coding-DNA position 1693, A replaced by G.
Molecular consequence: splice acceptor variant. On other transcripts: intron variant (3).
Genome position (GRCh38, 1-based): chr3:128,910,739, A>G. VCF-style: chr3-128910739-A-G. GRCh37 (hg19) VCF-style: chr3-128629582-A-G.
Other names: c.1324-2A>G (NM_001410805.1); c.2312-406T>C (NM_001348521.2); c.2408-406T>C (NM_001348520.2); c.3281-406T>C (NM_001394090.1).
Identifiers: ClinVar variation 432152 (VCV000432152.4), dbSNP rs1553734044, ClinGen allele CA354440424.